The following is an entry in ClinVar:

NM_178859.4(SLC51B):c.310G>A (p.Ala104Thr)

Genes: RASL12 (RAS like family 12; minus strand), SLC51B (SLC51 subunit beta; plus strand). Cytogenetic location: 15q22.31.
Variant type: single nucleotide variant.
Coding change: c.310G>A on transcript NM_178859.4 (MANE Select); coding-DNA position 310, G replaced by A.
Protein change: p.Ala104Thr; replaces alanine 104 with threonine.
Molecular consequence: missense variant.
Genome position (GRCh38, 1-based): chr15:65,053,087, G>A. VCF-style: chr15-65053087-G-A. GRCh37 (hg19) VCF-style: chr15-65345425-G-A.
Other names: short protein forms A104T.
Identifiers: ClinVar variation 3688445 (VCV003688445.2).

ClinVar aggregate classification (germline): Uncertain significance (1 of 4 stars; one submission).

Submission:

Labcorp Genetics (formerly Invitae), Labcorp
Classification: Uncertain significance. Last evaluated: 2024-06-26. Review status: criteria provided, single submitter. Criteria: Invitae Variant Classification Sherloc (09022015). Collection method: clinical testing. Allele origin: germline.
Comment: This sequence change replaces alanine, which is neutral and non-polar, with threonine, which is neutral and polar, at codon 104 of the SLC51B protein (p.Ala104Thr). This variant is not present in population databases (gnomAD no frequency). This variant has not been reported in the literature in individuals affected with SLC51B-related conditions. Algorithms developed to predict the effect of missense changes on protein structure and function output the following: SIFT: "Not Available"; PolyPhen-2: "Benign"; Align-GVGD: "Not Available". The threonine amino acid residue is found in multiple mammalian species, which suggests that this missense change does not adversely affect protein function. In summary, the available evidence is currently insufficient to determine the role of this variant in disease. Therefore, it has been classified as a Variant of Uncertain Significance.